The following is an entry in ClinVar:

ClinVar aggregate classification (germline): Uncertain significance. Review status: criteria provided, multiple submitters, no conflicts (2 of 4 stars). 3 submissions from 3 submitters: Uncertain significance (3). Last evaluated 2026-02-06.

Conditions:
Inborn genetic diseases. Identifiers: MedGen C0950123, MeSH D030342.

Allele frequency attached by ClinVar (database versions not stated): ExAC 0.00001; gnomAD 0.00001.
gnomAD v4.1: 6 of 1,614,048 alleles (0.00037%); highest among the groups gnomAD compares: Non-Finnish European, 0.00051%; no homozygotes.

Submissions (3):

GeneDx
Classification: Uncertain significance. Last evaluated: 2026-02-06. Review status: criteria provided, single submitter. Criteria: GeneDx Variant Classification Process June 2021. Collection method: clinical testing. Allele origin: germline.
Comment: Not observed at significant frequency in large population cohorts (gnomAD); In silico analysis supports that this missense variant has a deleterious effect on protein structure/function; Has not been previously published as pathogenic or benign to our knowledge

Labcorp Genetics (formerly Invitae), Labcorp
Classification: Uncertain significance. Last evaluated: 2022-10-13. Review status: criteria provided, single submitter. Criteria: Invitae Variant Classification Sherloc (09022015). Collection method: clinical testing. Allele origin: germline.
Comment: This sequence change replaces alanine, which is neutral and non-polar, with valine, which is neutral and non-polar, at codon 73 of the DNAJC12 protein (p.Ala73Val). This variant is present in population databases (rs770664606, gnomAD 0.002%). This variant has not been reported in the literature in individuals affected with DNAJC12-related conditions. ClinVar contains an entry for this variant (Variation ID: 1432283). Algorithms developed to predict the effect of missense changes on protein structure and function are either unavailable or do not agree on the potential impact of this missense change (SIFT: "Deleterious"; PolyPhen-2: "Benign"; Align-GVGD: "Class C0"). In summary, the available evidence is currently insufficient to determine the role of this variant in disease. Therefore, it has been classified as a Variant of Uncertain Significance.

Ambry Genetics
Classification: Uncertain significance for Inborn genetic diseases. Last evaluated: 2021-10-12. Review status: criteria provided, single submitter. Criteria: Ambry Variant Classification Scheme 2023. Collection method: clinical testing. Allele origin: germline.

NM_021800.3(DNAJC12):c.218C>T (p.Ala73Val)

Gene: DNAJC12 (DnaJ heat shock protein family (Hsp40) member C12; minus strand). Cytogenetic location: 10q21.3.
Variant type: single nucleotide variant.
Coding change: c.218C>T on transcript NM_021800.3 (MANE Select); coding-DNA position 218, C replaced by T.
Protein change: p.Ala73Val; replaces alanine 73 with valine.
Molecular consequence: missense variant.
Genome position (GRCh38, 1-based): chr10:67,811,603, G>A on the plus strand (C>T on the coding strand, the complement: DNAJC12 is on the minus strand). VCF-style: chr10-67811603-G-A. GRCh37 (hg19) VCF-style: chr10-69571361-G-A.
Other names: c.218C>T (NM_021800.2); c.218C>T, p.Ala73Val (NM_201262.2); short protein forms A73V.
Identifiers: ClinVar variation 1432283 (VCV001432283.8), dbSNP rs770664606, ClinGen allele CA5520877.
Genomic context (GRCh38, chr10:67,811,603, plus strand): 5'-AAAGCTTCCCACTGCTGGAATGGCATCGACATCTGGCTCCTTCGCCAGTGGTCATAGCGG[G>A]CTCGACTCTCTTCATTGGTCAGAATCTCCTTTGCCTTCTGCAGTTTCTGAAAAGTCTCCA-3'
Protein context (NP_068572.1, residues 63-83): KEILTNEESR[Ala73Val]RYDHWRRSQM